The following is an entry in ClinVar:

NM_183235.3(RAB27A):c.476A>G (p.Tyr159Cys)

Gene: RAB27A (RAB27A, member RAS oncogene family; minus strand). Cytogenetic location: 15q21.3.
Variant type: single nucleotide variant.
Coding change: c.476A>G on transcript NM_183235.3 (MANE Select); coding-DNA position 476, A replaced by G.
Protein change: p.Tyr159Cys; replaces tyrosine 159 with cysteine.
Molecular consequence: missense variant.
Genome position (GRCh38, 1-based): chr15:55,205,697, T>C on the plus strand (A>G on the coding strand, the complement: RAB27A is on the minus strand). VCF-style: chr15-55205697-T-C. GRCh37 (hg19) VCF-style: chr15-55497895-T-C.
Other names: c.476A>G, p.Tyr159Cys (NM_004580.5, NM_183234.3, NM_183236.3); short protein forms Y159C.
Identifiers: ClinVar variation 2137716 (VCV002137716.4), dbSNP rs1351114357, ClinGen allele CA392782081.

ClinVar aggregate classification (germline): Likely pathogenic. Review status: criteria provided, multiple submitters, no conflicts (2 of 4 stars). 2 submissions from 2 submitters: Likely pathogenic (2). Last evaluated 2025-06-14.

Conditions:
Griscelli syndrome type 2 (GS2). Also called: PAID SYNDROME; PARTIAL ALBINISM AND IMMUNODEFICIENCY SYNDROME; GRISCELLI SYNDROME WITH HEMOPHAGOCYTIC SYNDROME. Identifiers: Orphanet 381, Orphanet 79477, MedGen C1868679, MONDO:0011872, OMIM 607624.
RAB27A-related disorder. Also called: RAB27A-related condition.

Allele frequency attached by ClinVar (database versions not stated): gnomAD exomes 0.00001; TOPMed 0.00001.
gnomAD v4.1: 22 of 1,613,380 alleles (0.0014%); highest among the groups gnomAD compares: Non-Finnish European, 0.0018%; no homozygotes.

Submissions (2):

Labcorp Genetics (formerly Invitae), Labcorp
Classification: Likely pathogenic for Griscelli syndrome type 2. Last evaluated: 2025-06-14. Review status: criteria provided, single submitter. Criteria: Invitae Variant Classification Sherloc (09022015). Collection method: clinical testing. Allele origin: germline.
Comment: This sequence change replaces tyrosine, which is neutral and polar, with cysteine, which is neutral and slightly polar, at codon 159 of the RAB27A protein (p.Tyr159Cys). This variant is not present in population databases (gnomAD no frequency). This missense change has been observed in individuals with hemophagocytic lymphohistiocytosis (PMID: 25312756, 32542393; internal data). ClinVar contains an entry for this variant (Variation ID: 2137716). Invitae Evidence Modeling of protein sequence and biophysical properties (such as structural, functional, and spatial information, amino acid conservation, physicochemical variation, residue mobility, and thermodynamic stability) indicates that this missense variant is expected to disrupt RAB27A protein function with a positive predictive value of 95%. This variant disrupts the p.Tyr159 amino acid residue in RAB27A. Other variant(s) that disrupt this residue have been observed in individuals with RAB27A-related conditions (PMID: 25312756, 32860008), which suggests that this may be a clinically significant amino acid residue. In summary, the currently available evidence indicates that the variant is pathogenic, but additional data are needed to prove that conclusively. Therefore, this variant has been classified as Likely Pathogenic.

Blueprint Genetics
Classification: Likely pathogenic for RAB27A-related disorders. Last evaluated: 2021-01-12. Review status: criteria provided, single submitter. Criteria: ACMG Guidelines, 2015. Collection method: clinical testing. Allele origin: germline. Affected: yes. Observed: 2 variant alleles.

Literature cited by the submitters: PubMed 25312756 (cited by Labcorp Genetics (formerly Invitae), Labcorp); PubMed 32542393 (cited by Labcorp Genetics (formerly Invitae), Labcorp); PubMed 32860008 (cited by Labcorp Genetics (formerly Invitae), Labcorp).